The following is an entry in ClinVar:

NM_017780.4(CHD7):c.5446T>A (p.Cys1816Ser)

Gene: CHD7 (chromodomain helicase DNA binding protein 7; plus strand). Cytogenetic location: 8q12.2.
Variant type: single nucleotide variant.
Coding change: c.5446T>A on transcript NM_017780.4 (MANE Select); coding-DNA position 5446, T replaced by A.
Protein change: p.Cys1816Ser; replaces cysteine 1816 with serine.
Molecular consequence: missense variant. On other transcripts: intron variant (1).
Genome position (GRCh38, 1-based): chr8:60,850,534, T>A. VCF-style: chr8-60850534-T-A. GRCh37 (hg19) VCF-style: chr8-61763093-T-A.
Other names: c.5446T>A (NM_017780.2); c.1717-11695T>A (NM_001316690.1); short protein forms C1816S.
Identifiers: ClinVar variation 591475 (VCV000591475.11), dbSNP rs1563657431, ClinGen allele CA371321588.

ClinVar aggregate classification (germline): Uncertain significance. Review status: criteria provided, multiple submitters, no conflicts (2 of 4 stars). 4 submissions from 4 submitters: Uncertain significance (3). 1 of the submissions does not count toward it. Last evaluated 2025-05-15.

Conditions:
CHARGE syndrome (CHARGE). Also called: Coloboma, heart anomaly, choanal atresia, retardation, genital and ear anomalies; CHARGE association; Hall-Hittner syndrome; Hittner Hirsch Kreh syndrome; CHARGE ASSOCIATION--COLOBOMA, HEART ANOMALY, CHOANAL ATRESIA, RETARDATION, GENITAL AND EAR ANOMALIES. Identifiers: Orphanet 138, MedGen C0265354, MONDO:0008965.

Allele frequency attached by ClinVar (database versions not stated): gnomAD exomes below 0.00001; TOPMed below 0.00001; gnomAD 0.00001.
gnomAD v4.1: 2 of 1,613,588 alleles (0.00012%); highest among the groups gnomAD compares: Non-Finnish European, 0.00017%; no homozygotes.

Submissions (4):

Labcorp Genetics (formerly Invitae), Labcorp
Classification: Uncertain significance for CHARGE syndrome. Last evaluated: 2025-05-15. Review status: criteria provided, single submitter. Criteria: Invitae Variant Classification Sherloc (09022015). Collection method: clinical testing. Allele origin: germline.
Comment: This sequence change replaces cysteine, which is neutral and slightly polar, with serine, which is neutral and polar, at codon 1816 of the CHD7 protein (p.Cys1816Ser). This variant is not present in population databases (gnomAD no frequency). This variant has not been reported in the literature in individuals affected with CHD7-related conditions. ClinVar contains an entry for this variant (Variation ID: 591475). Invitae Evidence Modeling of protein sequence and biophysical properties (such as structural, functional, and spatial information, amino acid conservation, physicochemical variation, residue mobility, and thermodynamic stability) has been performed for this missense variant. However, the output from this modeling did not meet the statistical confidence thresholds required to predict the impact of this variant on CHD7 protein function. In summary, the available evidence is currently insufficient to determine the role of this variant in disease. Therefore, it has been classified as a Variant of Uncertain Significance.

Blueprint Genetics
Classification: Uncertain significance. Last evaluated: 2023-08-24. Review status: criteria provided, single submitter. Criteria: ACMG Guidelines, 2015. Collection method: clinical testing. Allele origin: germline.

GeneDx
Classification: Uncertain significance. Last evaluated: 2023-01-18. Review status: criteria provided, single submitter. Criteria: GeneDx Variant Classification Process June 2021. Collection method: clinical testing. Allele origin: germline. Affected: yes.
Comment: Not observed at significant frequency in large population cohorts (gnomAD); In silico analysis supports that this missense variant has a deleterious effect on protein structure/function; Has not been previously published as pathogenic or benign to our knowledge

Gharavi Laboratory, Columbia University
Classification: Uncertain significance. Last evaluated: 2018-09-16. Review status: no assertion criteria provided. Criteria: ACMG Guidelines, 2015. Collection method: research. Allele origin: germline. Affected: yes. Not counted in ClinVar's aggregate classification.